The following is an entry in ClinVar:

NM_138694.4(PKHD1):c.4170del (p.Arg1390_Ile1391insTer)

Gene: PKHD1 (PKHD1 ciliary IPT domain containing fibrocystin/polyductin; minus strand). Cytogenetic location: 6p12.2.
Variant type: Deletion.
Coding change: c.4170del on transcript NM_138694.4 (MANE Select); coding-DNA position 4170, one base deleted (G; older notation c.4170delG).
Protein change: p.Arg1390_Ile1391insTer.
Molecular consequence: frameshift variant.
Genome position (GRCh38, 1-based): chr6:52,025,640, C deleted on the plus strand (G on the coding strand, the reverse complement: PKHD1 is on the minus strand); the first of 2 consecutive C bases (chr6:52,025,640-52,025,641); deleting either gives the same sequence. VCF-style (leftmost placement, unchanged base first): chr6-52025639-TC-T. GRCh37 (hg19) VCF-style: chr6-51890437-TC-T.
Other names: c.4170del, p.Arg1390_Ile1391insTer (NM_170724.3).
Identifiers: ClinVar variation 3256620 (VCV003256620.1).
Genomic context (GRCh38, chr6:52,025,639, plus strand): 5'-CCCTCACAGTAAGTATGGTCCCACCACATGCCGAACCCTGCGATGGGAAGATGGCCATTA[TC>T]CGAGGCATCACTGCAAATTGCTGGAGCACCACAGACATATTAGCAAATCCCATCTGCTTC-3'

ClinVar aggregate classification (germline): Pathogenic (1 of 4 stars; one submission).

Conditions:
Polycystic kidney disease 4 (PKD4). Also called: POLYCYSTIC KIDNEY DISEASE 4 WITH OR WITHOUT POLYCYSTIC LIVER DISEASE; PKD3; POLYCYSTIC KIDNEY AND HEPATIC DISEASE 1; POLYCYSTIC KIDNEY DISEASE, INFANTILE, TYPE I; Autosomal Recessive Polycystic Kidney Disease – PKHD1. Identifiers: MedGen C4540575, MONDO:0033004, OMIM 263200.

Submission:

MVZ Medizinische Genetik Mainz
Classification: Pathogenic for Polycystic kidney disease 4. Last evaluated: 2024-06-28. Review status: criteria provided, single submitter. Criteria: UK Practice Guidelines For Variant Classification V4 01 2020. Collection method: clinical testing. Allele origin: germline. Inheritance: Autosomal recessive inheritance. Affected: yes. Observed: 1 variant allele.
Comment: ACMG Criteria: PVS1,PM2_SUP,PM3_SUP; Compound Heterozygote